The following is an entry in ClinVar:

NM_000350.3(ABCA4):c.5921A>G (p.Asn1974Ser)

Gene: ABCA4 (ATP binding cassette subfamily A member 4; minus strand). Cytogenetic location: 1p22.1.
Variant type: single nucleotide variant.
Coding change: c.5921A>G on transcript NM_000350.3 (MANE Select); coding-DNA position 5921, A replaced by G.
Protein change: p.Asn1974Ser; replaces asparagine 1974 with serine.
Molecular consequence: missense variant.
Genome position (GRCh38, 1-based): chr1:94,007,718, T>C on the plus strand (A>G on the coding strand, the complement: ABCA4 is on the minus strand). VCF-style: chr1-94007718-T-C. GRCh37 (hg19) VCF-style: chr1-94473274-T-C.
Other names: c.5699A>G, p.Asn1900Ser (NM_001425324.1); short protein forms N1974S, N1900S.
Identifiers: ClinVar variation 965939 (VCV000965939.10), dbSNP rs1659429852, ClinGen allele CA341279669.

ClinVar aggregate classification (germline): Likely pathogenic. Review status: criteria provided, multiple submitters, no conflicts (2 of 4 stars). 2 submissions from 2 submitters: Likely pathogenic (2). Last evaluated 2025-12-30.

Conditions:
ABCA4-related disorder. Also called: ABCA4-related disorders; ABCA4-related condition. Identifiers: MedGen CN239167.

Allele frequency attached by ClinVar (database versions not stated): gnomAD exomes below 0.00001; TOPMed below 0.00001.
gnomAD v4.1: 1 of 1,613,994 alleles (0.000062%); highest among the groups gnomAD compares: Non-Finnish European, 0.000085%; no homozygotes.

Submissions (2):

Labcorp Genetics (formerly Invitae), Labcorp
Classification: Likely pathogenic. Last evaluated: 2025-12-30. Review status: criteria provided, single submitter. Criteria: Invitae Variant Classification Sherloc (09022015). Collection method: clinical testing. Allele origin: germline.
Comment: This sequence change replaces asparagine, which is neutral and polar, with serine, which is neutral and polar, at codon 1974 of the ABCA4 protein (p.Asn1974Ser). This variant is not present in population databases (gnomAD no frequency). This missense change has been observed in individual(s) with clinical features of Stargardt disease (PMID: 36460718; internal data). In at least one individual the data is consistent with being in trans (on the opposite chromosome) from a pathogenic variant. ClinVar contains an entry for this variant (Variation ID: 965939). Invitae Evidence Modeling of protein sequence and biophysical properties (such as structural, functional, and spatial information, amino acid conservation, physicochemical variation, residue mobility, and thermodynamic stability) indicates that this missense variant is expected to disrupt ABCA4 protein function with a positive predictive value of 95%. Experimental studies have shown that this missense change affects ABCA4 function (PMID: 39128720). In summary, the currently available evidence indicates that the variant is pathogenic, but additional data are needed to prove that conclusively. Therefore, this variant has been classified as Likely Pathogenic.

Blueprint Genetics
Classification: Likely pathogenic for ABCA4-related disorders. Last evaluated: 2022-08-11. Review status: criteria provided, single submitter. Criteria: ACMG Guidelines, 2015. Collection method: clinical testing. Allele origin: germline. Affected: yes. Observed: 2 variant alleles.

Literature cited by the submitters: PubMed 36460718 (cited by Labcorp Genetics (formerly Invitae), Labcorp); PubMed 39128720 (cited by Labcorp Genetics (formerly Invitae), Labcorp).